The following is an entry in ClinVar:

NM_001009944.3(PKD1):c.12573C>A (p.Ser4191=)

Gene: PKD1 (polycystin 1, transient receptor potential channel interacting; minus strand). Cytogenetic location: 16p13.3.
Variant type: single nucleotide variant.
Coding change: c.12573C>A on transcript NM_001009944.3 (MANE Select); coding-DNA position 12573, C replaced by A.
Protein change: p.Ser4191=; no amino-acid change (serine 4191 retained).
Molecular consequence: synonymous variant.
Genome position (GRCh38, 1-based): chr16:2,090,066, G>T on the plus strand (C>A on the coding strand, the complement: PKD1 is on the minus strand). VCF-style: chr16-2090066-G-T. GRCh37 (hg19) VCF-style: chr16-2140067-G-T.
Other names: c.12570C>A, p.Ser4190= (NM_000296.4).
Identifiers: ClinVar variation 4993961 (VCV004993961.1).
Genomic context (GRCh38, chr16:2,090,066, plus strand): 5'-CTCAGGCTCACACCTTGTCCCCAGCCGGCCCAGGCTCACGCTCAGCCCATCCAGCTGGCT[G>T]GAGGAGGTGGAGGGGTGCGAGGCATCGGAGCCAGCGCTGGGTGGGGGCACATCCGGGGAT-3'
Protein context (NP_001009944.3, residues 4181-4201): GSDASHPSTS[Ser4191=]SQLDGLSVSL

ClinVar aggregate classification (germline): Likely benign (1 of 4 stars; one submission).

Conditions:
PKD1-related disorder. Also called: PKD1-related condition.

Submission:

PreventionGenetics, part of Exact Sciences
Classification: Likely benign for PKD1-related condition. Last evaluated: 2026-08-04. Review status: criteria provided, single submitter. Criteria: ACMG Guidelines, 2015. Collection method: clinical testing. Allele origin: germline.
Comment: This variant is classified as likely benign based on ACMG/AMP sequence variant interpretation guidelines (Richards et al. 2015 PMID: 25741868, with internal and published modifications).